The following is an entry in ClinVar:

NM_001048174.2(MUTYH):c.1134del (p.Ser378_Val379insTer)

Gene: MUTYH (mutY DNA glycosylase; minus strand). Cytogenetic location: 1p34.1.
Variant type: Deletion.
Coding change: c.1134del on transcript NM_001048174.2 (MANE Select); coding-DNA position 1134, one base deleted (C; older notation c.1134delC).
Protein change: p.Ser378_Val379insTer.
Molecular consequence: frameshift variant. On other transcripts: non-coding transcript variant (2).
Genome position (GRCh38, 1-based): chr1:45,331,525, G deleted on the plus strand (C on the coding strand, the reverse complement: MUTYH is on the minus strand); the first of 2 consecutive G bases (chr1:45,331,525-45,331,526); deleting either gives the same sequence. VCF-style (leftmost placement, unchanged base first): chr1-45331524-CG-C. GRCh37 (hg19) VCF-style: chr1-45797196-CG-C.
Other names: c.1134del, p.Ser378_Val379insTer (NM_001048171.2, NM_001048173.2, NM_001293195.2); c.1137del, p.Ser379_Val380insTer (NM_001048172.2); c.1218del, p.Ser406_Val407insTer (NM_001128425.2); c.1179del, p.Ser393_Val394insTer (NM_001293190.2); c.1167del, p.Ser389_Val390insTer (NM_001293191.2); c.858del, p.Ser286_Val287insTer (NM_001293192.2, NM_001293196.2); c.789del, p.Ser263_Val264insTer (NM_001350650.2, NM_001350651.2); c.1209del, p.Ser403_Val404insTer (NM_012222.3); and 1 more.
Identifiers: ClinVar variation 663501 (VCV000663501.6), dbSNP rs1570376147, ClinGen allele CA915941261.

ClinVar aggregate classification (germline): Pathogenic (1 of 4 stars; one submission).

Conditions:
Familial adenomatous polyposis 2. Also called: COLORECTAL ADENOMATOUS POLYPOSIS, AUTOSOMAL RECESSIVE; ADENOMAS, MULTIPLE COLORECTAL, AUTOSOMAL RECESSIVE; MYH-associated polyposis; MUTYH Polyposis; Adenomas, multiple colorectal; MUTYH-associated polyposis. Identifiers: Orphanet 220460, Orphanet 247798, MedGen C3272841, MONDO:0012041, OMIM 608456.

Submission:

Labcorp Genetics (formerly Invitae), Labcorp
Classification: Pathogenic for Familial adenomatous polyposis 2. Last evaluated: 2022-08-23. Review status: criteria provided, single submitter. Criteria: Invitae Variant Classification Sherloc (09022015). Collection method: clinical testing. Allele origin: germline.
Comment: For these reasons, this variant has been classified as Pathogenic. ClinVar contains an entry for this variant (Variation ID: 663501). This variant has not been reported in the literature in individuals affected with MUTYH-related conditions. This variant is not present in population databases (gnomAD no frequency). This sequence change creates a premature translational stop signal (p.Val407*) in the MUTYH gene. It is expected to result in an absent or disrupted protein product. Loss-of-function variants in MUTYH are known to be pathogenic (PMID: 18534194, 20663686).

Literature cited by the submitters: PubMed 18534194; PubMed 20663686.